The following is an entry in ClinVar:

ClinVar aggregate classification (germline): Uncertain significance (1 of 4 stars; one submission).

Submission:

GeneDx
Classification: Uncertain significance. Last evaluated: 2024-02-14. Review status: criteria provided, single submitter. Criteria: GeneDx Variant Classification Process June 2021. Collection method: clinical testing. Allele origin: germline. Affected: yes.
Comment: Not observed at significant frequency in large population cohorts (gnomAD); In silico analysis supports that this missense variant has a deleterious effect on protein structure/function; Has not been previously published as pathogenic or benign to our knowledge; Variants in candidate genes are classified as variants of uncertain significance in accordance with ACMG guidelines (PMID: 25741868)

NM_018133.4(MSL2):c.1451A>G (p.Tyr484Cys)

Gene: MSL2 (MSL complex subunit 2; minus strand). Cytogenetic location: 3q22.3.
Variant type: single nucleotide variant.
Coding change: c.1451A>G on transcript NM_018133.4 (MANE Select); coding-DNA position 1451, A replaced by G.
Protein change: p.Tyr484Cys; replaces tyrosine 484 with cysteine.
Molecular consequence: missense variant.
Genome position (GRCh38, 1-based): chr3:136,151,430, T>C on the plus strand (A>G on the coding strand, the complement: MSL2 is on the minus strand). VCF-style: chr3-136151430-T-C. GRCh37 (hg19) VCF-style: chr3-135870272-T-C.
Other names: c.1229A>G, p.Tyr410Cys (NM_001145417.2); short protein forms Y410C, Y484C.
Identifiers: ClinVar variation 3368993 (VCV003368993.1).